The following is an entry in ClinVar:

ClinVar aggregate classification (germline): Likely pathogenic (1 of 4 stars; one submission).

Conditions:
Hereditary cancer-predisposing syndrome. Also called: Neoplastic Syndromes, Hereditary; Tumor predisposition; Hereditary neoplastic syndrome; Hereditary Cancer Syndrome. Identifiers: Orphanet 140162, MedGen C0027672, MeSH D009386, MONDO:0015356.

Submission:

GeneKor MSA
Classification: Likely pathogenic for Hereditary cancer-predisposing syndrome. Last evaluated: 2025-06-25. Review status: criteria provided, single submitter. Criteria: ACMG Guidelines, 2015. Collection method: clinical testing. Allele origin: germline. Affected: yes.
Comment: This sequence change creates a premature translational stop signal (p.Glu1995*) in the ATM gene. It is expected to result in an absent or disrupted protein product. Loss-of-function variants in ATM are known to be pathogenic (PMID:23807571, 25614872). This variant is not present in population databases. Based on the classification criteria set by the ACMG and AMP (PMID:25741868) this variant has been classified as likely pathogenic.

Literature cited by the submitters: PubMed 23807571; PubMed 25614872.

NM_000051.4(ATM):c.5983G>T (p.Glu1995Ter)

Genes: ATM (ATM serine/threonine kinase; plus strand), C11orf65 (chromosome 11 open reading frame 65; minus strand). Cytogenetic location: 11q22.3.
Variant type: single nucleotide variant.
Coding change: c.5983G>T on transcript NM_000051.4 (MANE Select); coding-DNA position 5983, G replaced by T.
Protein change: p.Glu1995Ter; replaces glutamic acid 1995 with a stop codon.
Molecular consequence: nonsense. On other transcripts: intron variant (2).
Genome position (GRCh38, 1-based): chr11:108,312,475, G>T. VCF-style: chr11-108312475-G-T. GRCh37 (hg19) VCF-style: chr11-108183202-G-T.
Other names: c.5983G>T, p.Glu1995Ter (NM_001351834.2); c.641-3404C>A (NM_001330368.2); c.*39-3404C>A (NM_001351110.2); short protein forms E1995*.
Identifiers: ClinVar variation 4077029 (VCV004077029.1).